The following is an entry in ClinVar:

NM_025114.4(CEP290):c.2389_2391del (p.Lys797del)

Gene: CEP290 (centrosomal protein 290; minus strand). Cytogenetic location: 12q21.32.
Variant type: Deletion.
Coding change: c.2389_2391del on transcript NM_025114.4 (MANE Select); coding-DNA positions 2389 to 2391, 3 bases deleted (AAG; older notation c.2389_2391delAAG).
Protein change: p.Lys797del; deletes lysine 797.
Molecular consequence: inframe deletion.
Genome position (GRCh38, 1-based): chr12:88,109,158-88,109,160, CTT deleted on the plus strand (AAG on the coding strand, the reverse complement: CEP290 is on the minus strand). VCF-style (leftmost placement, unchanged base first): chr12-88109157-ACTT-A. GRCh37 (hg19) VCF-style: chr12-88502934-ACTT-A.
Other names: short protein forms K797del.
Identifiers: ClinVar variation 5004394 (VCV005004394.1).

ClinVar aggregate classification (germline): Uncertain significance (1 of 4 stars; one submission).

Conditions:
CEP290-related ciliopathy. Also called: CEP290 ciliopathy. Identifiers: MedGen CN305601, MONDO:0100451.

Submission:

Myriad Genetics, Inc.
Classification: Uncertain significance for CEP290-related ciliopathy. Last evaluated: 2026-01-16. Review status: criteria provided, single submitter. Criteria: Myriad Autosomal Dominant, Autosomal Recessive and X-Linked Classification Criteria (2023). Collection method: clinical testing. Allele origin: unknown.
Comment: NM_025114.3(CEP290):c.2389_2391delAAG(K797del) is an in-frame deletion classified as a variant of uncertain significance in the context of CEP290-related disorders. K797del has not been observed in cases with relevant disease. Relevant functional assessments of this variant are not available in the literature. K797del has not been observed in referenced population frequency databases. In summary, there is insufficient evidence to classify NM_025114.3(CEP290):c.2389_2391delAAG(K797del) as pathogenic or benign. Please note: this variant was assessed in the context of healthy population screening.